The following is an entry in ClinVar:

ClinVar aggregate classification (germline): Likely benign (1 of 4 stars; one submission).

Conditions:
Agenesis of the corpus callosum with peripheral neuropathy (ACCPN). Also called: Hereditary Motor and Sensory Neuropathy with Agenesis of the Corpus Callosum; CHARLEVOIX DISEASE; POLYNEUROPATHY, SENSORIMOTOR, WITH OR WITHOUT AGENESIS OF THE CORPUS CALLOSUM; HMSN/ACC. Identifiers: Orphanet 1496, MedGen C0795950, MONDO:0000902, OMIM 218000. Disease mechanism: loss of function.

Allele frequency attached by ClinVar (database versions not stated): 1000 Genomes Project 0.00300; 1000 Genomes Project 30x 0.00344; TOPMed 0.00695; gnomAD exomes 0.00825.
gnomAD v4.1: 1,157 of 173,460 alleles (0.67%); highest among the groups gnomAD compares: Non-Finnish European, 0.98%; 5 homozygotes.

Submission:

Illumina Laboratory Services, Illumina
Classification: Likely benign for Agenesis of the corpus callosum with peripheral neuropathy. Last evaluated: 2018-01-13. Review status: criteria provided, single submitter. Criteria: ICSL Variant Classification Criteria 13 December 2019. Collection method: clinical testing. Allele origin: germline.
Comment: This variant was observed in the ICSL laboratory as part of a predisposition screen in an ostensibly healthy population. It had not been previously curated by ICSL or reported in the Human Gene Mutation Database (HGMD: prior to June 1st, 2018), and was therefore a candidate for classification through an automated scoring system. Utilizing variant allele frequency, disease prevalence and penetrance estimates, and inheritance mode, an automated score was calculated to assess if this variant is too frequent to cause the disease. Based on the score and internal cut-off values, a variant classified as likely benign is not then subjected to further curation. The score for this variant resulted in a classification of likely benign for this disease.

NM_001365088.1(SLC12A6):c.*3672A>G

Gene: SLC12A6 (solute carrier family 12 member 6; minus strand). Cytogenetic location: 15q14.
Variant type: single nucleotide variant.
Coding change: c.*3672A>G on transcript NM_001365088.1 (MANE Select); 3672 bases downstream of the stop codon, A replaced by G.
Molecular consequence: 3 prime UTR variant.
Genome position (GRCh38, 1-based): chr15:34,230,209, T>C on the plus strand (A>G on the coding strand, the complement: SLC12A6 is on the minus strand). VCF-style: chr15-34230209-T-C. GRCh37 (hg19) VCF-style: chr15-34522410-T-C.
Other names: c.*3672A>G (NM_001042494.2, NM_001042495.2, NM_001042496.2 and 3 more transcripts).
Identifiers: ClinVar variation 884493 (VCV000884493.4), dbSNP rs182573709, ClinGen allele CA268650167.